The following is an entry in ClinVar:

ClinVar aggregate classification (germline): Uncertain significance (1 of 4 stars; one submission).

Conditions:
Immunodeficiency 104. Also called: IMMUNODEFICIENCY 104, SEVERE COMBINED; Severe combined immunodeficiency, autosomal recessive, T cell-negative, B cell-positive, NK cell-positive; SCID, AUTOSOMAL RECESSIVE, T CELL-NEGATIVE, B CELL-POSITIVE, NK CELL-POSITIVE; Severe Combined Immune Deficiency, Autosomal Recessive, TCell -Negative, B Cell-Positive, NK Cell-Positive, IL7R-Related. Identifiers: MedGen C5676890, MONDO:0012163, OMIM 608971.

Allele frequency attached by ClinVar (database versions not stated): gnomAD 0.00001; gnomAD exomes 0.00002; TOPMed below 0.00001.
gnomAD v4.1: 27 of 1,614,044 alleles (0.0017%); highest among the groups gnomAD compares: African/African-American, 0.0027%; no homozygotes.

Submission:

Labcorp Genetics (formerly Invitae), Labcorp
Classification: Uncertain significance for Immunodeficiency 104. Last evaluated: 2022-05-03. Review status: criteria provided, single submitter. Criteria: Invitae Variant Classification Sherloc (09022015). Collection method: clinical testing. Allele origin: germline.
Comment: This sequence change replaces serine, which is neutral and polar, with phenylalanine, which is neutral and non-polar, at codon 366 of the IL7R protein (p.Ser366Phe). This variant is present in population databases (rs778728560, gnomAD 0.002%). This variant has not been reported in the literature in individuals affected with IL7R-related conditions. Advanced modeling of protein sequence and biophysical properties (such as structural, functional, and spatial information, amino acid conservation, physicochemical variation, residue mobility, and thermodynamic stability) performed at Invitae indicates that this missense variant is not expected to disrupt IL7R protein function. In summary, the available evidence is currently insufficient to determine the role of this variant in disease. Therefore, it has been classified as a Variant of Uncertain Significance.

NM_002185.5(IL7R):c.1097C>T (p.Ser366Phe)

Gene: IL7R (interleukin 7 receptor; plus strand). Cytogenetic location: 5p13.2.
Variant type: single nucleotide variant.
Coding change: c.1097C>T on transcript NM_002185.5 (MANE Select); coding-DNA position 1097, C replaced by T.
Protein change: p.Ser366Phe; replaces serine 366 with phenylalanine.
Molecular consequence: missense variant. On other transcripts: non-coding transcript variant (1).
Genome position (GRCh38, 1-based): chr5:35,876,203, C>T. VCF-style: chr5-35876203-C-T. GRCh37 (hg19) VCF-style: chr5-35876305-C-T.
Other names: c.*214C>T (NM_001410734.1); short protein forms S366F.
Identifiers: ClinVar variation 2143773 (VCV002143773.1), dbSNP rs778728560, ClinGen allele CA116976101.